The following is an entry in ClinVar:

NM_000551.4(VHL):c.455C>T (p.Thr152Ile)

Genes: VHL (von Hippel-Lindau tumor suppressor; plus strand), LOC107303340 (3p25 von Hippel-Lindau tumor suppressor, E3 ubiquitin protein ligase Alu-mediated recombination region; plus strand). Cytogenetic location: 3p25.3.
Variant type: single nucleotide variant.
Coding change: c.455C>T on transcript NM_000551.4 (MANE Select); coding-DNA position 455, C replaced by T.
Protein change: p.Thr152Ile; replaces threonine 152 with isoleucine.
Molecular consequence: missense variant. On other transcripts: non-coding transcript variant (1), intron variant (2).
Genome position (GRCh38, 1-based): chr3:10,146,628, C>T. VCF-style: chr3-10146628-C-T. GRCh37 (hg19) VCF-style: chr3-10188312-C-T.
Other names: c.*18-3159C>T (NM_001354723.2); c.341-3159C>T (NM_198156.3); short protein forms T152I.
Identifiers: ClinVar variation 2925345 (VCV002925345.3), dbSNP rs2125128508, ClinGen allele CA351754382.

ClinVar aggregate classification (germline): Uncertain significance (1 of 4 stars; one submission).

Conditions:
Von Hippel-Lindau syndrome (VHLS). Also called: Von Hippel-Lindau; von Hippel–Lindau syndrome; VHL syndrome. Identifiers: Orphanet 892, MedGen C0019562, MONDO:0008667, OMIM 193300. Disease mechanism: loss of function.
Chuvash polycythemia. Also called: POLYCYTHEMIA, VHL-DEPENDENT. Identifiers: Orphanet 238557, MedGen C1837915, MONDO:0009892, OMIM 263400.

Submission:

Labcorp Genetics (formerly Invitae), Labcorp
Classification: Uncertain significance for Von Hippel-Lindau syndrome; Chuvash polycythemia. Last evaluated: 2023-09-26. Review status: criteria provided, single submitter. Criteria: Invitae Variant Classification Sherloc (09022015). Collection method: clinical testing. Allele origin: germline.
Comment: Experimental studies have shown that this missense change affects VHL function (PMID: 31515488). In summary, the available evidence is currently insufficient to determine the role of this variant in disease. Therefore, it has been classified as a Variant of Uncertain Significance. Advanced modeling of protein sequence and biophysical properties (such as structural, functional, and spatial information, amino acid conservation, physicochemical variation, residue mobility, and thermodynamic stability) performed at Invitae indicates that this missense variant is expected to disrupt VHL protein function. This sequence change replaces threonine, which is neutral and polar, with isoleucine, which is neutral and non-polar, at codon 152 of the VHL protein (p.Thr152Ile). This variant is not present in population databases (gnomAD no frequency). This missense change has been observed in individual(s) with clinical features of von Hippel-Lindau syndrome (PMID: 18031321).

Literature cited by the submitters: PubMed 31515488; PubMed 18031321.